The following is an entry in ClinVar:

NM_000088.4(COL1A1):c.4018G>T (p.Gly1340Cys)

Gene: COL1A1 (collagen type I alpha 1 chain; minus strand). Cytogenetic location: 17q21.33.
Variant type: single nucleotide variant.
Coding change: c.4018G>T on transcript NM_000088.4 (MANE Select); coding-DNA position 4018, G replaced by T.
Protein change: p.Gly1340Cys; replaces glycine 1340 with cysteine.
Molecular consequence: missense variant.
Genome position (GRCh38, 1-based): chr17:50,186,008, C>A on the plus strand (G>T on the coding strand, the complement: COL1A1 is on the minus strand). VCF-style: chr17-50186008-C-A. GRCh37 (hg19) VCF-style: chr17-48263369-C-A.
Other names: short protein forms G1340C.
Identifiers: ClinVar variation 2908929 (VCV002908929.4), dbSNP rs147936946, ClinGen allele CA400192813.

ClinVar aggregate classification (germline): Conflicting classifications of pathogenicity. Review status: criteria provided, conflicting classifications (1 of 4 stars). 2 submissions from 2 submitters: Uncertain significance (1); Likely benign (1). Last evaluated 2024-08-13.

Conditions:
Osteogenesis imperfecta type I (OI1). Also called: Osteogenesis imperfecta type 1; Lobstein's Disease; Classic Non-deforming Osteogenesis Imperfecta with Blue Sclerae; OI, TYPE I; OSTEOGENESIS IMPERFECTA TARDA; OSTEOGENESIS IMPERFECTA WITH BLUE SCLERAE. Identifiers: Orphanet 216796, Orphanet 666, MedGen C0023931, MONDO:0008146, OMIM 166200. Disease mechanism: loss of function.

Submissions (2):

ARUP Laboratories, Molecular Genetics and Genomics, ARUP Laboratories
Classification: Uncertain significance. Last evaluated: 2024-08-13. Review status: criteria provided, single submitter. Criteria: ARUP Molecular Germline Variant Investigation Process 2024. Collection method: clinical testing. Allele origin: germline.
Comment: The COL1A1 c.4018G>T; p.Gly1340Cys variant (rs147936946), to our knowledge, is not reported in the medical literature but is reported in ClinVar (Variation ID: 2908929). This variant is absent from the Genome Aggregation Database (v2.1.1), indicating it is not a common polymorphism. Computational analyses are uncertain whether this variant is neutral or deleterious (REVEL: 0.455). Due to limited information, the clinical significance of this variant is uncertain at this time.

Labcorp Genetics (formerly Invitae), Labcorp
Classification: Likely benign for Osteogenesis imperfecta type I. Last evaluated: 2023-06-09. Review status: criteria provided, single submitter. Criteria: Invitae Variant Classification Sherloc (09022015). Collection method: clinical testing. Allele origin: germline.